The following is an entry in ClinVar:

NM_014679.5(CEP57):c.617C>T (p.Ala206Val)

Gene: CEP57 (centrosomal protein 57; plus strand). Cytogenetic location: 11q21.
Variant type: single nucleotide variant.
Coding change: c.617C>T on transcript NM_014679.5 (MANE Select); coding-DNA position 617, C replaced by T.
Protein change: p.Ala206Val; replaces alanine 206 with valine.
Molecular consequence: missense variant.
Genome position (GRCh38, 1-based): chr11:95,817,899, C>T. VCF-style: chr11-95817899-C-T. GRCh37 (hg19) VCF-style: chr11-95551063-C-T.
Other names: c.590C>T, p.Ala197Val (NM_001243776.2); c.617C>T, p.Ala206Val (NM_001243777.2); c.536C>T, p.Ala179Val (NM_001363604.2); short protein forms A179V, A197V, A206V.
Identifiers: ClinVar variation 4001075 (VCV004001075.1).

ClinVar aggregate classification (germline): Uncertain significance (1 of 4 stars; one submission).

Conditions:
Inborn genetic diseases. Identifiers: MedGen C0950123, MeSH D030342.

gnomAD v4.1: 1 of 1,595,166 alleles (0.000063%); highest among the groups gnomAD compares: East Asian, 0.0022%; no homozygotes.

Submission:

Ambry Genetics
Classification: Uncertain significance for Inborn genetic diseases. Last evaluated: 2025-06-02. Review status: criteria provided, single submitter. Criteria: Ambry Variant Classification Scheme 2023. Collection method: clinical testing. Allele origin: germline.
Comment: The p.A206V variant (also known as c.617C>T), located in coding exon 5 of the CEP57 gene, results from a C to T substitution at nucleotide position 617. The alanine at codon 206 is replaced by valine, an amino acid with similar properties. This amino acid position is conserved. In addition, the in silico prediction for this alteration is inconclusive. Based on the available evidence, the clinical significance of this variant remains unclear.